The following is an entry in ClinVar:

NM_001375524.1(TRRAP):c.4977C>T (p.Asn1659=)

Genes: TRRAP (transformation/transcription domain associated protein; plus strand), LOC126860121 (MED14-independent group 3 enhancer GRCh37_chr7:98547245-98548444; plus strand). Cytogenetic location: 7q22.1.
Variant type: single nucleotide variant.
Coding change: c.4977C>T on transcript NM_001375524.1 (MANE Select); coding-DNA position 4977, C replaced by T.
Protein change: p.Asn1659=; no amino-acid change (asparagine 1659 retained).
Molecular consequence: synonymous variant.
Genome position (GRCh38, 1-based): chr7:98,949,683, C>T. VCF-style: chr7-98949683-C-T. GRCh37 (hg19) VCF-style: chr7-98547306-C-T.
Other names: c.4956C>T, p.Asn1652= (NM_001244580.2); c.4902C>T, p.Asn1634= (NM_003496.4).
Identifiers: ClinVar variation 2721336 (VCV002721336.25), dbSNP rs369988548, ClinGen allele CA4360447.

ClinVar aggregate classification (germline): Benign/Likely benign. Review status: criteria provided, multiple submitters, no conflicts (2 of 4 stars). 2 submissions from 2 submitters: Benign (1); Likely benign (1). Last evaluated 2025-07-06.

Allele frequency attached by ClinVar (database versions not stated): ESP Exome Variant Server 0.00008; ExAC 0.00013; TOPMed 0.00015; 1000 Genomes Project 30x 0.00016; gnomAD exomes 0.00018; 1000 Genomes Project 0.00020.
gnomAD v4.1: 283 of 1,613,422 alleles (0.018%); highest among the groups gnomAD compares: Middle Eastern, 0.033%; no homozygotes.

Submissions (2):

Labcorp Genetics (formerly Invitae), Labcorp
Classification: Benign. Last evaluated: 2025-07-06. Review status: criteria provided, single submitter. Criteria: Invitae Variant Classification Sherloc (09022015). Collection method: clinical testing. Allele origin: germline.

CeGaT Center for Human Genetics Tuebingen
Classification: Likely benign. Last evaluated: 2023-12-01. Review status: criteria provided, single submitter. Criteria: CeGaT Center For Human Genetics Tuebingen Variant Classification Criteria Version 2. Collection method: clinical testing. Allele origin: germline. Affected: yes. Observed: 1 variant allele.
Comment: TRRAP: BP4, BP7